The following is an entry in ClinVar:

NM_001379286.1(ZNF423):c.2006A>C (p.Lys669Thr)

Gene: ZNF423 (zinc finger protein 423; minus strand). Cytogenetic location: 16q12.1.
Variant type: single nucleotide variant.
Coding change: c.2006A>C on transcript NM_001379286.1 (MANE Select); coding-DNA position 2006, A replaced by C.
Protein change: p.Lys669Thr; replaces lysine 669 with threonine.
Molecular consequence: missense variant.
Genome position (GRCh38, 1-based): chr16:49,637,170, T>G on the plus strand (A>C on the coding strand, the complement: ZNF423 is on the minus strand). VCF-style: chr16-49637170-T-G. GRCh37 (hg19) VCF-style: chr16-49671081-T-G.
Other names: c.1802A>C, p.Lys601Thr (NM_001271620.2); c.1631A>C, p.Lys544Thr (NM_001330533.2); c.1982A>C, p.Lys661Thr (NM_015069.5); c.1982A>C (NM_015069.2, NM_015069.4); short protein forms K661T, K544T, K601T, K669T.
Identifiers: ClinVar variation 859727 (VCV000859727.17), dbSNP rs145272522, ClinGen allele CA8046586.

ClinVar aggregate classification (germline): Conflicting classifications of pathogenicity. Review status: criteria provided, conflicting classifications (1 of 4 stars). 5 submissions from 5 submitters: Uncertain significance (2); Likely benign (2). 1 of the submissions does not count toward it. Last evaluated 2025-06-01.

Conditions:
Nephronophthisis 14 (NPHP14). Identifiers: Orphanet 2318, MedGen C3539071, MONDO:0013916, OMIM 614844.
ZNF423-related disorder. Also called: ZNF423-related condition.

Allele frequency attached by ClinVar (database versions not stated): 1000 Genomes Project 30x 0.00031; ESP Exome Variant Server 0.00038; 1000 Genomes Project 0.00040; TOPMed 0.00048; gnomAD 0.00049 and 0.00053; gnomAD exomes 0.00049 and 0.00072; ExAC 0.00053.
gnomAD v4.1: 1,140 of 1,613,804 alleles (0.071%); highest among the groups gnomAD compares: Non-Finnish European, 0.084%; 3 homozygotes.

Submissions (5):

CeGaT Center for Human Genetics Tuebingen
Classification: Likely benign. Last evaluated: 2025-06-01. Review status: criteria provided, single submitter. Criteria: CeGaT Center For Human Genetics Tuebingen Variant Classification Criteria Version 2. Collection method: clinical testing. Allele origin: germline. Affected: yes. Observed: 1 variant allele.
Comment: ZNF423: BS1

Blueprint Genetics
Classification: Likely benign. Last evaluated: 2024-11-25. Review status: criteria provided, single submitter. Criteria: ACMG Guidelines, 2015. Collection method: clinical testing. Allele origin: germline.

Labcorp Genetics (formerly Invitae), Labcorp
Classification: Uncertain significance for Nephronophthisis 14. Last evaluated: 2022-10-04. Review status: criteria provided, single submitter. Criteria: Invitae Variant Classification Sherloc (09022015). Collection method: clinical testing. Allele origin: germline.
Comment: This sequence change replaces lysine, which is basic and polar, with threonine, which is neutral and polar, at codon 661 of the ZNF423 protein (p.Lys661Thr). This variant is present in population databases (rs145272522, gnomAD 0.07%), and has an allele count higher than expected for a pathogenic variant. This variant has not been reported in the literature in individuals affected with ZNF423-related conditions. ClinVar contains an entry for this variant (Variation ID: 859727). Advanced modeling of protein sequence and biophysical properties (such as structural, functional, and spatial information, amino acid conservation, physicochemical variation, residue mobility, and thermodynamic stability) performed at Invitae indicates that this missense variant is not expected to disrupt ZNF423 protein function. In summary, the available evidence is currently insufficient to determine the role of this variant in disease. Therefore, it has been classified as a Variant of Uncertain Significance.

Ambry Genetics
Classification: Uncertain significance. Last evaluated: 2021-08-02. Review status: criteria provided, single submitter. Criteria: Ambry Variant Classification Scheme 2023. Collection method: clinical testing. Allele origin: germline.

PreventionGenetics, part of Exact Sciences
Classification: Likely benign for ZNF423-related condition. Last evaluated: 2023-12-18. Review status: no assertion criteria provided. Collection method: clinical testing. Allele origin: germline. Not counted in ClinVar's aggregate classification.
Comment: This variant is classified as likely benign based on ACMG/AMP sequence variant interpretation guidelines (Richards et al. 2015 PMID: 25741868, with internal and published modifications).